The following is an entry in ClinVar:

ClinVar aggregate classification (germline): Uncertain significance. Review status: criteria provided, multiple submitters, no conflicts (2 of 4 stars). 2 submissions from 2 submitters: Uncertain significance (2). Last evaluated 2025-08-20.

Conditions:
Cardiovascular phenotype. Identifiers: MedGen CN230736.
Dilated cardiomyopathy 1EE (CMD1EE). Identifiers: Orphanet 154, MedGen C2750466, MONDO:0013198, OMIM 613252.
Hypertrophic cardiomyopathy 14. Identifiers: MedGen C2750467, MONDO:0013197, OMIM 613251.

gnomAD v4.1: 1 of 1,614,076 alleles (0.000062%); highest among the groups gnomAD compares: Non-Finnish European, 0.000085%; no homozygotes.

Submissions (2):

Ambry Genetics
Classification: Uncertain significance for Cardiovascular phenotype. Last evaluated: 2025-08-20. Review status: criteria provided, single submitter. Criteria: Ambry Variant Classification Scheme 2023. Collection method: clinical testing. Allele origin: germline.

Institute of Immunology and Genetics Kaiserslautern
Classification: Uncertain significance for Hypertrophic cardiomyopathy 14; Dilated cardiomyopathy 1EE. Last evaluated: 2024-12-12. Review status: criteria provided, single submitter. Criteria: ACMG Guidelines, 2015. Collection method: clinical testing. Allele origin: germline. Affected: yes.
Comment: ACMG Criteria: PM2_P, PP3; Variant was found in heterozygous state

NM_002471.4(MYH6):c.2951T>G (p.Met984Arg)

Gene: MYH6 (myosin heavy chain 6; minus strand). Cytogenetic location: 14q11.2.
Variant type: single nucleotide variant.
Coding change: c.2951T>G on transcript NM_002471.4 (MANE Select); coding-DNA position 2951, T replaced by G.
Protein change: p.Met984Arg; replaces methionine 984 with arginine.
Molecular consequence: missense variant.
Genome position (GRCh38, 1-based): chr14:23,393,496, A>C on the plus strand (T>G on the coding strand, the complement: MYH6 is on the minus strand). VCF-style: chr14-23393496-A-C. GRCh37 (hg19) VCF-style: chr14-23862705-A-C.
Other names: short protein forms M984R.
Identifiers: ClinVar variation 3897560 (VCV003897560.2).
Genomic context (GRCh38, chr14:23,393,496, plus strand): 5'-GCCTCTTGTAGAGCTTTCTTCTCCTTGGTCAGCTTAGCGATGATTTCATCCAGCCCAGCC[A>C]TCTCCTCTGTTAGGTTCTTCACCTGCCGACCAAAAACCCATCCCCTTTAGGGTCAAAGAT-3'
Protein context (NP_002462.2, residues 974-994): ENKVKNLTEE[Met984Arg]AGLDEIIAKL